The following is an entry in ClinVar:

ClinVar aggregate classification (germline): Benign/Likely benign. Review status: criteria provided, multiple submitters, no conflicts (2 of 4 stars). 6 submissions from 6 submitters: Benign (2); Likely benign (3). 1 of the submissions does not count toward it. Last evaluated 2026-02-01.

Conditions:
HOMER2-related disorder. Also called: HOMER2-related condition.

Allele frequency attached by ClinVar (database versions not stated): ESP Exome Variant Server 0.00062; TOPMed 0.00075; gnomAD 0.00101 and 0.00103; gnomAD exomes 0.00127 and 0.00158; ExAC 0.00181.
gnomAD v4.1: 2,005 of 1,613,890 alleles (0.12%); highest among the groups gnomAD compares: South Asian, 0.22%; 6 homozygotes.

Submissions (6):

CeGaT Center for Human Genetics Tuebingen
Classification: Likely benign. Last evaluated: 2026-02-01. Review status: criteria provided, single submitter. Criteria: CeGaT Center For Human Genetics Tuebingen Variant Classification Criteria Version 2. Collection method: clinical testing. Allele origin: germline. Affected: yes. Observed: 4 variant alleles.
Comment: HOMER2: BP4, BP7

Labcorp Genetics (formerly Invitae), Labcorp
Classification: Benign. Last evaluated: 2025-12-15. Review status: criteria provided, single submitter. Criteria: Invitae Variant Classification Sherloc (09022015). Collection method: clinical testing. Allele origin: germline.

Blueprint Genetics
Classification: Likely benign. Last evaluated: 2024-11-26. Review status: criteria provided, single submitter. Criteria: ACMG Guidelines, 2015. Collection method: clinical testing. Allele origin: germline.

GeneDx
Classification: Likely benign. Last evaluated: 2021-02-09. Review status: criteria provided, single submitter. Criteria: GeneDx Variant Classification Process June 2021. Collection method: clinical testing. Allele origin: germline. Affected: yes.

Athena Diagnostics
Classification: Benign. Last evaluated: 2019-12-03. Review status: criteria provided, single submitter. Criteria: Athena Diagnostics Criteria. Collection method: clinical testing. Allele origin: unknown.

PreventionGenetics, part of Exact Sciences
Classification: Likely benign for HOMER2-related condition. Last evaluated: 2024-06-03. Review status: no assertion criteria provided. Collection method: clinical testing. Allele origin: germline. Not counted in ClinVar's aggregate classification.
Comment: This variant is classified as likely benign based on ACMG/AMP sequence variant interpretation guidelines (Richards et al. 2015 PMID: 25741868, with internal and published modifications).

NM_004839.4(HOMER2):c.234C>T (p.Ala78=)

Gene: HOMER2 (homer scaffold protein 2; minus strand). Cytogenetic location: 15q25.2.
Variant type: single nucleotide variant.
Coding change: c.234C>T on transcript NM_004839.4 (MANE Select); coding-DNA position 234, C replaced by T.
Protein change: p.Ala78=; no amino-acid change (alanine 78 retained).
Molecular consequence: synonymous variant.
Genome position (GRCh38, 1-based): chr15:82,875,333, G>A on the plus strand (C>T on the coding strand, the complement: HOMER2 is on the minus strand). VCF-style: chr15-82875333-G-A. GRCh37 (hg19) VCF-style: chr15-83544085-G-A.
Other names: c.234C>T (NM_004839.3); c.234C>T, p.Ala78= (NM_199330.3).
Identifiers: ClinVar variation 994896 (VCV000994896.42), dbSNP rs200280749, ClinGen allele CA7702237.